The following is an entry in ClinVar:

ClinVar aggregate classification (germline): Pathogenic. Review status: criteria provided, multiple submitters, no conflicts (2 of 4 stars). 2 submissions from 2 submitters: Pathogenic (2). Last evaluated 2021-11-03.

Conditions:
Hereditary cancer-predisposing syndrome. Also called: Hereditary neoplastic syndrome; Neoplastic Syndromes, Hereditary; Tumor predisposition; Hereditary Cancer Syndrome. Identifiers: Orphanet 140162, MedGen C0027672, MeSH D009386, MONDO:0015356.
Cardiovascular phenotype. Identifiers: MedGen CN230736.

Submissions (2):

Institute for Clinical Genetics, University Hospital TU Dresden, University Hospital TU Dresden
Classification: Pathogenic. Last evaluated: 2021-11-03. Review status: criteria provided, single submitter. Criteria: ACMG Guidelines, 2015. Collection method: clinical testing. Allele origin: germline.

Ambry Genetics
Classification: Pathogenic for Cardiovascular phenotype; Hereditary cancer-predisposing syndrome. Last evaluated: 2021-05-07. Review status: criteria provided, single submitter. Criteria: Ambry Variant Classification Scheme 2023. Collection method: clinical testing. Allele origin: germline.
Comment: The c.1251dupC variant, located in coding exon 11 of the LZTR1 gene, results from a duplication of C at nucleotide position 1251, causing a translational frameshift with a predicted alternate stop codon (p.R418Qfs*9). This alteration is expected to result in loss of function by premature protein truncation or nonsense-mediated mRNA decay. Based on the supporting evidence, this variant is pathogenic for an increased risk of nerve sheath tumors and would be expected to cause autosomal recessive Noonan syndrome when present along with a second pathogenic or likely pathogenic variant on the other allele.

NM_006767.4(LZTR1):c.1251dup (p.Arg418fs)

Gene: LZTR1 (leucine zipper like post translational regulator 1; plus strand). Cytogenetic location: 22q11.21.
Variant type: Duplication.
Coding change: c.1251dup on transcript NM_006767.4 (MANE Select); coding-DNA position 1251, one base duplicated (C; older notation c.1251dupC).
Protein change: p.Arg418fs; shifts the reading frame from arginine 418.
Molecular consequence: frameshift variant.
Genome position (GRCh38, 1-based): chr22:20,992,895, C duplicated. VCF-style (leftmost placement, unchanged base first): chr22-20992894-A-AC. GRCh37 (hg19) VCF-style: chr22-21347183-A-AC.
Other names: c.1251dupC (NM_006767.3); short protein forms R418fs.
Identifiers: ClinVar variation 1319831 (VCV001319831.5), dbSNP rs2147966059, ClinGen allele CA2573054980.